The following is an entry in ClinVar:

NM_002430.3(MN1):c.1363A>T (p.Lys455Ter)

Gene: MN1 (MN1 proto-oncogene, transcriptional regulator; minus strand). Cytogenetic location: 22q12.1.
Variant type: single nucleotide variant.
Coding change: c.1363A>T on transcript NM_002430.3 (MANE Select); coding-DNA position 1363, A replaced by T.
Protein change: p.Lys455Ter; replaces lysine 455 with a stop codon.
Molecular consequence: nonsense.
Genome position (GRCh38, 1-based): chr22:27,799,181, T>A on the plus strand (A>T on the coding strand, the complement: MN1 is on the minus strand). VCF-style: chr22-27799181-T-A. GRCh37 (hg19) VCF-style: chr22-28195169-T-A.
Other names: short protein forms K455*.
Identifiers: ClinVar variation 2572388 (VCV002572388.3), dbSNP rs2517772878, ClinGen allele CA411048486.
Genomic context (GRCh38, chr22:27,799,181, plus strand): 5'-CGTTCCACGAAGCGCAGCGGTCCACTCCCGCGCTGCCCGGAAAGTCGAAGCGCGGCCTCT[T>A]GGCCACGTTCATGTAGGGGGGCGCGTCGAAATGCTGCAGCCGCTGGTTGGGCGCCTGCTG-3'

ClinVar aggregate classification (germline): Likely pathogenic. Review status: criteria provided, multiple submitters, no conflicts (2 of 4 stars). 2 submissions from 2 submitters: Likely pathogenic (2). Last evaluated 2023-06-02.

Conditions:
CEBALID syndrome (CEBALID). Also called: CRANIOFACIAL DEFECTS, DYSMORPHIC EARS, STRUCTURAL BRAIN ABNORMALITIES, EXPRESSIVE LANGUAGE DELAY, AND IMPAIRED INTELLECTUAL DEVELOPMENT; MN1 C-TERMINAL TRUNCATION SYNDROME. Identifiers: Orphanet 693549, MedGen C5394044, MONDO:0032908, OMIM 618774.

Submissions (2):

Institute of Human Genetics, University of Goettingen
Classification: Likely pathogenic for CEBALID syndrome. Last evaluated: 2023-06-02. Review status: criteria provided, single submitter. Criteria: ACMG Guidelines, 2015. Collection method: clinical testing. Allele origin: germline. Inheritance: Autosomal dominant inheritance. Affected: yes.

3billion
Classification: Likely pathogenic for CEBALID syndrome. Review status: criteria provided, single submitter. Criteria: ACMG Guidelines, 2015. Collection method: clinical testing. Allele origin: unknown. Affected: yes. Observed: 1 heterozygote.
Comment: The variant is not observed in the gnomAD v2.1.1 dataset. The variant is predicted to result in a loss or disruption of normal protein function through nonsense-mediated decay (NMD) or protein truncation. Multiple pathogenic variants are reported downstream of the variant. Therefore, this variant is classified as Likely pathogenic according to the recommendation of ACMG/AMP guideline.

Literature cited by the submitters: PubMed 31834374 (cited by Institute of Human Genetics, University of Goettingen).